The following is an entry in ClinVar:

ClinVar aggregate classification (germline): Benign/Likely benign. Review status: criteria provided, multiple submitters, no conflicts (2 of 4 stars). 15 submissions from 15 submitters: Benign (9); Likely benign (4). 2 of the submissions do not count toward it. Last evaluated 2026-08-01.

Conditions:
Inborn genetic diseases. Identifiers: MedGen C0950123, MeSH D030342.
Landau-Kleffner syndrome (FESD). Also called: APHASIA, ACQUIRED, WITH EPILEPSY; EPILEPSY, FOCAL, WITH SPEECH DISORDER AND WITH OR WITHOUT MENTAL RETARDATION. Identifiers: Orphanet 1945, Orphanet 725, Orphanet 98818, MedGen C0282512, MONDO:0009509, OMIM 245570.

Allele frequency attached by ClinVar (database versions not stated): 1000 Genomes Project 30x 0.00156; 1000 Genomes Project 0.00160; TOPMed 0.00400; gnomAD 0.00450 and 0.00472; ESP Exome Variant Server 0.00454.
gnomAD v4.1: 8,969 of 1,614,114 alleles (0.56%); highest among the groups gnomAD compares: Non-Finnish European, 0.67%; 32 homozygotes.

Submissions (15):

CeGaT Center for Human Genetics Tuebingen
Classification: Benign. Last evaluated: 2026-08-01. Review status: criteria provided, single submitter. Criteria: CeGaT Center For Human Genetics Tuebingen Variant Classification Criteria Version 2. Collection method: clinical testing. Allele origin: germline. Affected: yes. Observed: 65 variant alleles.
Comment: GRIN2A: BS1, BS2

Labcorp Genetics (formerly Invitae), Labcorp
Classification: Benign for Landau-Kleffner syndrome. Last evaluated: 2026-02-03. Review status: criteria provided, single submitter. Criteria: Invitae Variant Classification Sherloc (09022015). Collection method: clinical testing. Allele origin: germline.

ARUP Laboratories, Molecular Genetics and Genomics, ARUP Laboratories
Classification: Benign for Landau-Kleffner syndrome. Last evaluated: 2025-02-12. Review status: criteria provided, single submitter. Criteria: ARUP Molecular Germline Variant Investigation Process 2024. Collection method: clinical testing. Allele origin: germline.

Center for Genomics, Ann and Robert H. Lurie Children's Hospital of Chicago
Classification: Likely benign for Landau-Kleffner syndrome. Last evaluated: 2022-05-18. Review status: criteria provided, single submitter. Criteria: ACMG Guidelines, 2015. Collection method: clinical testing. Allele origin: germline.
Comment: This variant has not been reported in the literature but is present in the Genome Aggregation Database (Highest reported MAF 0.8% (127/15270) including at least 1 homozygote. This variant is present in ClinVar, with several labs classifying this variant as Benign/Likely Benign (Variation ID:129196). Evolutionary conservation suggests that this variant may impact the protein; computational predictive tools suggest that this variant may not impact the protein. In summary, data on this variant suggests that this variant does not cause disease but requires further evidence. Therefore, this variant is classified as likely benign.

Athena Diagnostics
Classification: Benign. Last evaluated: 2020-08-25. Review status: criteria provided, single submitter. Criteria: Athena Diagnostics criteria. Collection method: clinical testing. Allele origin: unknown.

Ambry Genetics
Classification: Likely benign for Inborn genetic diseases. Last evaluated: 2018-06-04. Review status: criteria provided, single submitter. Criteria: Ambry Variant Classification Scheme 2023. Collection method: clinical testing. Allele origin: germline.

Illumina Laboratory Services, Illumina
Classification: Benign for Landau-Kleffner syndrome. Last evaluated: 2018-01-13. Review status: criteria provided, single submitter. Criteria: ICSL Variant Classification Criteria 13 December 2019. Collection method: clinical testing. Allele origin: germline.
Comment: This variant was observed in the ICSL laboratory as part of a predisposition screen in an ostensibly healthy population. It had not been previously curated by ICSL or reported in the Human Gene Mutation Database (HGMD: prior to June 1st, 2018), and was therefore a candidate for classification through an automated scoring system. Utilizing variant allele frequency, disease prevalence and penetrance estimates, and inheritance mode, an automated score was calculated to assess if this variant is too frequent to cause the disease. Based on the score and internal cut-off values, a variant classified as benign is not then subjected to further curation. The score for this variant resulted in a classification of benign for this disease.

Eurofins Ntd Llc (ga)
Classification: Benign. Last evaluated: 2017-12-06. Review status: criteria provided, single submitter. Criteria: EGL Classification Definitions 2015. Collection method: clinical testing. Allele origin: germline. Observed: 2 variant alleles, 2 heterozygotes.

Center for Pediatric Genomic Medicine, Children's Mercy Hospital and Clinics
Classification: Likely benign. Last evaluated: 2017-02-06. Review status: criteria provided, single submitter. Criteria: ACMG Guidelines, 2015. Collection method: clinical testing. Allele origin: germline.
ClinVar note: Converted during submission from Likely Benign to Likely benign.

Genetic Services Laboratory, University of Chicago
Classification: Benign. Last evaluated: 2015-09-24. Review status: criteria provided, single submitter. Criteria: ACMG Guidelines, 2015. Collection method: clinical testing. Allele origin: germline. Affected: no.

GeneDx
Classification: Benign. Last evaluated: 2014-06-09. Review status: criteria provided, single submitter. Criteria: GeneDx Variant Classification (06012015). Collection method: clinical testing. Allele origin: germline. Affected: yes.
Comment: The variant is found in CHILD-EPI,EPILEPSY,INFANT-EPI panel(s).

Breakthrough Genomics
Classification: Likely benign. Review status: criteria provided, single submitter. Criteria: ACMG Guidelines, 2015. Collection method: not provided. Allele origin: germline. Inheritance: Autosomal dominant inheritance. Affected: yes.

PreventionGenetics, part of Exact Sciences
Classification: Benign. Review status: criteria provided, single submitter. Criteria: ACMG Guidelines, 2015. Collection method: clinical testing. Allele origin: germline.

Genome Diagnostics Laboratory, University Medical Center Utrecht
Classification: Likely benign. Review status: no assertion criteria provided. Collection method: clinical testing. Allele origin: germline. Affected: yes. Study: VKGL Data-share Consensus. Not counted in ClinVar's aggregate classification.

Joint Genome Diagnostic Labs from Nijmegen and Maastricht, Radboudumc and MUMC+
Classification: Benign. Review status: no assertion criteria provided. Collection method: clinical testing. Allele origin: germline. Affected: yes. Study: VKGL Data-share Consensus. Not counted in ClinVar's aggregate classification.

Literature cited by the submitters: PubMed 25904555 (cited by Athena Diagnostics); PubMed 20890276 (cited by Athena Diagnostics); PubMed 21559497 (cited by Athena Diagnostics).

NM_001134407.3(GRIN2A):c.3228C>A (p.Asn1076Lys)

Gene: GRIN2A (glutamate ionotropic receptor NMDA type subunit 2A; minus strand). Cytogenetic location: 16p13.2.
Variant type: single nucleotide variant.
Coding change: c.3228C>A on transcript NM_001134407.3 (MANE Select); coding-DNA position 3228, C replaced by A.
Protein change: p.Asn1076Lys; replaces asparagine 1076 with lysine.
Molecular consequence: missense variant.
Genome position (GRCh38, 1-based): chr16:9,764,316, G>T on the plus strand (C>A on the coding strand, the complement: GRIN2A is on the minus strand). VCF-style: chr16-9764316-G-T. GRCh37 (hg19) VCF-style: chr16-9858173-G-T.
Other names: c.3228C>A, p.Asn1076Lys (NM_000833.5, NM_001134408.2); short protein forms N1076K.
Identifiers: ClinVar variation 129196 (VCV000129196.67), dbSNP rs61758995, ClinGen allele CA288900.